The following is an entry in ClinVar:

NM_016239.4(MYO15A):c.2791G>A (p.Val931Met)

Gene: MYO15A (myosin XVA; plus strand). Cytogenetic location: 17p11.2.
Variant type: single nucleotide variant.
Coding change: c.2791G>A on transcript NM_016239.4 (MANE Select); coding-DNA position 2791, G replaced by A.
Protein change: p.Val931Met; replaces valine 931 with methionine.
Molecular consequence: missense variant.
Genome position (GRCh38, 1-based): chr17:18,121,591, G>A. VCF-style: chr17-18121591-G-A. GRCh37 (hg19) VCF-style: chr17-18024905-G-A.
Other names: short protein forms V931M.
Identifiers: ClinVar variation 1940405 (VCV001940405.5), dbSNP rs201529563, ClinGen allele CA8423303.

ClinVar aggregate classification (germline): Uncertain significance. Review status: criteria provided, multiple submitters, no conflicts (2 of 4 stars). 2 submissions from 2 submitters: Uncertain significance (2). Last evaluated 2025-09-02.

Allele frequency attached by ClinVar (database versions not stated): gnomAD exomes below 0.00001; TOPMed 0.00001; gnomAD 0.00005; ESP Exome Variant Server 0.00009; 1000 Genomes Project 30x 0.00016; 1000 Genomes Project 0.00020.
gnomAD v4.1: 14 of 1,599,122 alleles (0.00088%); highest among the groups gnomAD compares: African/African-American, 0.0094%; no homozygotes.

Submissions (2):

Labcorp Genetics (formerly Invitae), Labcorp
Classification: Uncertain significance. Last evaluated: 2025-09-02. Review status: criteria provided, single submitter. Criteria: Invitae Variant Classification Sherloc (09022015). Collection method: clinical testing. Allele origin: germline.
Comment: This sequence change replaces valine, which is neutral and non-polar, with methionine, which is neutral and non-polar, at codon 931 of the MYO15A protein (p.Val931Met). The frequency data for this variant in the population databases is considered unreliable, as metrics indicate poor data quality at this position in the gnomAD database. This variant has not been reported in the literature in individuals affected with MYO15A-related conditions. ClinVar contains an entry for this variant (Variation ID: 1940405). Invitae Evidence Modeling of protein sequence and biophysical properties (such as structural, functional, and spatial information, amino acid conservation, physicochemical variation, residue mobility, and thermodynamic stability) indicates that this missense variant is not expected to disrupt MYO15A protein function with a negative predictive value of 95%. In summary, the available evidence is currently insufficient to determine the role of this variant in disease. Therefore, it has been classified as a Variant of Uncertain Significance.

Blueprint Genetics
Classification: Uncertain significance. Last evaluated: 2020-08-27. Review status: criteria provided, single submitter. Criteria: ACMG Guidelines, 2015. Collection method: clinical testing. Allele origin: germline.